The following is an entry in ClinVar:

ClinVar aggregate classification (germline): Benign/Likely benign. Review status: criteria provided, multiple submitters, no conflicts (2 of 4 stars). 7 submissions from 6 submitters: Benign (6); Likely benign (1). Last evaluated 2026-02-01.

Conditions:
Schwartz-Jampel syndrome. Also called: Myotonic myopathy dwarfism chondrodystrophy and ocular and facial abnormalities. Identifiers: Orphanet 800, MedGen C0036391, MONDO:0009717.
Lethal Kniest-like syndrome (DDSH). Also called: Dyssegmental Dysplasia. Identifiers: Orphanet 1865, MedGen C1857100, MONDO:0009140, OMIM 224410.

Allele frequency attached by ClinVar (database versions not stated): 1000 Genomes Project 30x 0.04310; 1000 Genomes Project 0.04533; TOPMed 0.04672; gnomAD 0.04935 and 0.04956; ESP Exome Variant Server 0.05351; gnomAD exomes 0.05712; ExAC 0.05853.
gnomAD v4.1: 97,384 of 1,613,462 alleles (6%); highest among the groups gnomAD compares: South Asian, 10%; 3,252 homozygotes.

Submissions (7):

Labcorp Genetics (formerly Invitae), Labcorp
Classification: Benign. Last evaluated: 2026-02-01. Review status: criteria provided, single submitter. Criteria: Invitae Variant Classification Sherloc (09022015). Collection method: clinical testing. Allele origin: germline.

ARUP Laboratories, Molecular Genetics and Genomics, ARUP Laboratories
Classification: Benign. Last evaluated: 2025-06-26. Review status: criteria provided, single submitter. Criteria: ARUP Molecular Germline Variant Investigation Process 2024. Collection method: clinical testing. Allele origin: germline.

Blueprint Genetics
Classification: Likely benign. Last evaluated: 2024-11-26. Review status: criteria provided, single submitter. Criteria: ACMG Guidelines, 2015. Collection method: clinical testing. Allele origin: germline.

GeneDx
Classification: Benign. Last evaluated: 2018-08-30. Review status: criteria provided, single submitter. Criteria: GeneDx Variant Classification Process June 2021. Collection method: clinical testing. Allele origin: germline. Affected: yes.

Illumina Laboratory Services, Illumina
Classification: Benign for Lethal Kniest-like syndrome. Last evaluated: 2018-01-12. Review status: criteria provided, single submitter. Criteria: ICSL Variant Classification Criteria 13 December 2019. Collection method: clinical testing. Allele origin: germline.
Comment: This variant was observed in the ICSL laboratory as part of a predisposition screen in an ostensibly healthy population. It had not been previously curated by ICSL or reported in the Human Gene Mutation Database (HGMD: prior to June 1st, 2018), and was therefore a candidate for classification through an automated scoring system. Utilizing variant allele frequency, disease prevalence and penetrance estimates, and inheritance mode, an automated score was calculated to assess if this variant is too frequent to cause the disease. Based on the score and internal cut-off values, a variant classified as benign is not then subjected to further curation. The score for this variant resulted in a classification of benign for this disease.

Illumina Laboratory Services, Illumina
Classification: Benign for Schwartz-Jampel syndrome type 1. Last evaluated: 2018-01-12. Review status: criteria provided, single submitter. Criteria: ICSL Variant Classification Criteria 13 December 2019. Collection method: clinical testing. Allele origin: germline.
Comment: the same text as in the submission from Illumina Laboratory Services, Illumina above.

Breakthrough Genomics
Classification: Benign. Review status: criteria provided, single submitter. Criteria: ACMG Guidelines, 2015. Collection method: not provided. Allele origin: germline. Inheritance: Autosomal recessive inheritance. Affected: yes.

NM_005529.7(HSPG2):c.12994G>A (p.Val4332Ile)

Genes: HSPG2 (heparan sulfate proteoglycan 2; minus strand), LDLRAD2 (low density lipoprotein receptor class A domain containing 2; plus strand). Cytogenetic location: 1p36.12.
Variant type: single nucleotide variant.
Coding change: c.12994G>A on transcript NM_005529.7 (MANE Select); coding-DNA position 12994, G replaced by A.
Protein change: p.Val4332Ile; replaces valine 4332 with isoleucine.
Molecular consequence: missense variant. On other transcripts: 3 prime UTR variant (1).
Genome position (GRCh38, 1-based): chr1:21,823,625, C>T on the plus strand (G>A on the coding strand, the complement: HSPG2 is on the minus strand). VCF-style: chr1-21823625-C-T. GRCh37 (hg19) VCF-style: chr1-22150118-C-T.
Other names: c.12997G>A, p.Val4333Ile (NM_001291860.2); c.*1410C>T (NM_001013693.3); short protein forms V4332I, V4333I.
Identifiers: ClinVar variation 295699 (VCV000295699.32), dbSNP rs1138469, ClinGen allele CA669186.
Genomic context (GRCh38, chr1:21,823,625, plus strand): 5'-CTAAGGGAGTGCCGTTCCTGCCCCTGCCCTGAGAAGGAGCCCCAGACTTACCGATGTAGA[C>T]GCTGCCCTTGGCGTTGACTGCCACGTTGGGACCTGGGGACCGGCCGCTGACCAGCTCCTC-3'
Protein context (NP_005520.4, residues 4322-4342): PNVAVNAKGS[Val4332Ile]YIGGAPDVAT